The following is an entry in ClinVar:

ClinVar aggregate classification (germline): Uncertain significance (0 of 4 stars; one submission).

Conditions:
SEMA3F-related disorder. Also called: SEMA3F-related condition.

gnomAD v4.1: 13 of 1,613,946 alleles (0.00081%); highest among the groups gnomAD compares: Middle Eastern, 0.033%; no homozygotes.

Submission:

PreventionGenetics, part of Exact Sciences
Classification: Uncertain significance for SEMA3F-related condition. Last evaluated: 2024-01-04. Review status: no assertion criteria provided. Collection method: clinical testing. Allele origin: germline.
Comment: The SEMA3F c.1139G>A variant is predicted to result in the amino acid substitution p.Arg380His. To our knowledge, this variant has not been reported in the literature. This variant is reported in 0.0040% of alleles in individuals of African descent in gnomAD. At this time, the clinical significance of this variant is uncertain due to the absence of conclusive functional and genetic evidence.

NM_004186.5(SEMA3F):c.1139G>A (p.Arg380His)

Gene: SEMA3F (semaphorin 3F; plus strand). Cytogenetic location: 3p21.31.
Variant type: single nucleotide variant.
Coding change: c.1139G>A on transcript NM_004186.5 (MANE Select); coding-DNA position 1139, G replaced by A.
Protein change: p.Arg380His; replaces arginine 380 with histidine.
Molecular consequence: missense variant.
Genome position (GRCh38, 1-based): chr3:50,183,470, G>A. VCF-style: chr3-50183470-G-A. GRCh37 (hg19) VCF-style: chr3-50220903-G-A.
Other names: c.842G>A, p.Arg281His (NM_001318798.2); c.1046G>A, p.Arg349His (NM_001318800.2); short protein forms R281H, R349H, R380H.
Identifiers: ClinVar variation 3358267 (VCV003358267.1).